The following is an entry in ClinVar:

NM_001252102.2(KIF21B):c.4231G>A (p.Gly1411Ser)

Genes: KIF21B (kinesin family member 21B; minus strand), LOC126805976 (P300/CBP strongly-dependent group 1 enhancer GRCh37_chr1:200945792-200946991; plus strand). Cytogenetic location: 1q32.1.
Variant type: single nucleotide variant.
Coding change: c.4231G>A on transcript NM_001252102.2 (MANE Select); coding-DNA position 4231, G replaced by A.
Protein change: p.Gly1411Ser; replaces glycine 1411 with serine.
Molecular consequence: missense variant.
Genome position (GRCh38, 1-based): chr1:200,977,306, C>T on the plus strand (G>A on the coding strand, the complement: KIF21B is on the minus strand). VCF-style: chr1-200977306-C-T. GRCh37 (hg19) VCF-style: chr1-200946434-C-T.
Other names: c.4231G>A, p.Gly1411Ser (NM_001252100.2); c.4192G>A, p.Gly1398Ser (NM_001252103.2, NM_017596.4); short protein forms G1398S, G1411S.
Identifiers: ClinVar variation 1704903 (VCV001704903.2), dbSNP rs1041368136, ClinGen allele CA35981065.

ClinVar aggregate classification (germline): Uncertain significance (1 of 4 stars; one submission).

Allele frequency attached by ClinVar (database versions not stated): gnomAD exomes below 0.00001; TOPMed below 0.00001.

Submission:

GeneDx
Classification: Uncertain significance. Last evaluated: 2022-03-11. Review status: criteria provided, single submitter. Criteria: GeneDx Variant Classification Process June 2021. Collection method: clinical testing. Allele origin: germline. Affected: yes.
Comment: Not observed at significant frequency in large population cohorts (gnomAD); In silico analysis supports that this missense variant has a deleterious effect on protein structure/function; Has not been previously published as pathogenic or benign to our knowledge